The following is an entry in ClinVar:

NM_022336.4(EDAR):c.1084dup (p.Ser362fs)

Genes: EDAR (ectodysplasin A receptor; minus strand), RANBP2 (RAN binding protein 2; plus strand). Cytogenetic location: 2q13.
Variant type: Duplication.
Coding change: c.1084dup on transcript NM_022336.4 (MANE Select); coding-DNA position 1084, one base duplicated (T; older notation c.1084dupT).
Protein change: p.Ser362fs; shifts the reading frame from serine 362.
Molecular consequence: frameshift variant.
Genome position (GRCh38, 1-based): chr2:108,897,170, A duplicated on the plus strand (T on the coding strand, the reverse complement: EDAR is on the minus strand). VCF-style (leftmost placement, unchanged base first): chr2-108897169-G-GA. GRCh37 (hg19) VCF-style: chr2-109513625-G-GA.
Other names: short protein forms S362fs.
Identifiers: ClinVar variation 4539015 (VCV004539015.1).

ClinVar aggregate classification (germline): Likely pathogenic (1 of 4 stars; one submission).

Conditions:
Ectodermal dysplasia. Also called: Ectodermal dysplasia syndrome. Identifiers: Orphanet 79373, MedGen C0013575, MONDO:0019287, HP:0000968.

Submission:

Genetics Laboratory, Great Ormond Street Hospital NHS Foundation Trust, North Thames Genomic Laboratory Hub
Classification: Likely pathogenic for Ectodermal dysplasia. Last evaluated: 2025-10-27. Review status: criteria provided, single submitter. Criteria: ACGS Best Practice Guidelines for Variant Classification in Rare Disease 2024 v1.2. Collection method: clinical testing. Allele origin: germline. Affected: yes.
Comment: PM2_moderate, PVS1_strong